The following is an entry in ClinVar:

ClinVar aggregate classification (germline): Uncertain significance (1 of 4 stars; one submission).

Allele frequency attached by ClinVar (database versions not stated): TOPMed 0.00001; ExAC 0.00003; gnomAD exomes 0.00001.
gnomAD v4.1: 14 of 1,614,184 alleles (0.00087%); highest among the groups gnomAD compares: Non-Finnish European, 0.0012%; no homozygotes.

Submission:

Labcorp Genetics (formerly Invitae), Labcorp
Classification: Uncertain significance. Last evaluated: 2025-02-12. Review status: criteria provided, single submitter. Criteria: Invitae Variant Classification Sherloc (09022015). Collection method: clinical testing. Allele origin: germline.
Comment: This sequence change replaces aspartic acid, which is acidic and polar, with asparagine, which is neutral and polar, at codon 888 of the KCNH1 protein (p.Asp888Asn). This variant is present in population databases (rs778733037, gnomAD 0.003%). This variant has not been reported in the literature in individuals affected with KCNH1-related conditions. ClinVar contains an entry for this variant (Variation ID: 3017776). Invitae Evidence Modeling of protein sequence and biophysical properties (such as structural, functional, and spatial information, amino acid conservation, physicochemical variation, residue mobility, and thermodynamic stability) has been performed for this missense variant. However, the output from this modeling did not meet the statistical confidence thresholds required to predict the impact of this variant on KCNH1 protein function. In summary, the available evidence is currently insufficient to determine the role of this variant in disease. Therefore, it has been classified as a Variant of Uncertain Significance.

NM_172362.3(KCNH1):c.2662G>A (p.Asp888Asn)

Gene: KCNH1 (potassium voltage-gated channel subfamily H member 1; minus strand). Cytogenetic location: 1q32.2.
Variant type: single nucleotide variant.
Coding change: c.2662G>A on transcript NM_172362.3 (MANE Select); coding-DNA position 2662, G replaced by A.
Protein change: p.Asp888Asn; replaces aspartic acid 888 with asparagine.
Molecular consequence: missense variant.
Genome position (GRCh38, 1-based): chr1:210,683,589, C>T on the plus strand (G>A on the coding strand, the complement: KCNH1 is on the minus strand). VCF-style: chr1-210683589-C-T. GRCh37 (hg19) VCF-style: chr1-210856931-C-T.
Other names: c.2581G>A, p.Asp861Asn (NM_002238.4); short protein forms D888N, D861N.
Identifiers: ClinVar variation 3017776 (VCV003017776.3), dbSNP rs778733037, ClinGen allele CA1379613.